The following is an entry in ClinVar:

ClinVar aggregate classification (germline): Uncertain significance. Review status: criteria provided, multiple submitters, no conflicts (2 of 4 stars). 2 submissions from 2 submitters: Uncertain significance (2). Last evaluated 2025-11-03.

Allele frequency attached by ClinVar (database versions not stated): ExAC 0.00001; gnomAD 0.00001; gnomAD exomes 0.00002 and 0.00003; TOPMed 0.00004.
gnomAD v4.1: 11 of 1,614,008 alleles (0.00068%); highest among the groups gnomAD compares: Admixed American, 0.018%; no homozygotes.

Submissions (2):

Labcorp Genetics (formerly Invitae), Labcorp
Classification: Uncertain significance. Last evaluated: 2025-11-03. Review status: criteria provided, single submitter. Criteria: Invitae Variant Classification Sherloc (09022015). Collection method: clinical testing. Allele origin: germline.
Comment: This sequence change replaces valine, which is neutral and non-polar, with leucine, which is neutral and non-polar, at codon 354 of the TAOK2 protein (p.Val354Leu). This variant is present in population databases (rs754049338, gnomAD 0.02%). This variant has not been reported in the literature in individuals affected with TAOK2-related conditions. ClinVar contains an entry for this variant (Variation ID: 1489168). An algorithm developed to predict the effect of missense changes on protein structure and function (PolyPhen-2) suggests that this variant is likely to be tolerated. In summary, the available evidence is currently insufficient to determine the role of this variant in disease. Therefore, it has been classified as a Variant of Uncertain Significance.

Ambry Genetics
Classification: Uncertain significance. Last evaluated: 2025-10-21. Review status: criteria provided, single submitter. Criteria: Ambry Variant Classification Scheme 2023. Collection method: clinical testing. Allele origin: germline.

NM_016151.4(TAOK2):c.1060G>C (p.Val354Leu)

Gene: TAOK2 (TAO kinase 2; plus strand). Cytogenetic location: 16p11.2.
Variant type: single nucleotide variant.
Coding change: c.1060G>C on transcript NM_016151.4 (MANE Select); coding-DNA position 1060, G replaced by C.
Protein change: p.Val354Leu; replaces valine 354 with leucine.
Molecular consequence: missense variant.
Genome position (GRCh38, 1-based): chr16:29,983,132, G>C. VCF-style: chr16-29983132-G-C. GRCh37 (hg19) VCF-style: chr16-29994453-G-C.
Other names: c.1060G>C, p.Val354Leu (NM_001252043.2, NM_004783.4); c.1060G>C (NM_016151.2); short protein forms V354L.
Identifiers: ClinVar variation 1489168 (VCV001489168.10), dbSNP rs754049338, ClinGen allele CA7998036.